The following is an entry in ClinVar:

ClinVar aggregate classification (germline): Benign (0 of 4 stars; one submission).

Conditions:
SLC1A5-related disorder. Also called: SLC1A5-related condition.

Allele frequency attached by ClinVar (database versions not stated): ESP Exome Variant Server 0.00008; 1000 Genomes Project 30x 0.00078; 1000 Genomes Project 0.00080; TOPMed 0.00127; gnomAD 0.00148; ExAC 0.00268.
gnomAD v4.1: 3,110 of 1,613,616 alleles (0.19%); highest among the groups gnomAD compares: Non-Finnish European, 0.2%; 9 homozygotes.

Submission:

PreventionGenetics, part of Exact Sciences
Classification: Benign for SLC1A5-related condition. Last evaluated: 2019-11-13. Review status: no assertion criteria provided. Collection method: clinical testing. Allele origin: germline.
Comment: This variant is classified as benign based on ACMG/AMP sequence variant interpretation guidelines (Richards et al. 2015 PMID: 25741868, with internal and published modifications).

NM_005628.3(SLC1A5):c.757G>A (p.Glu253Lys)

Gene: SLC1A5 (solute carrier family 1 member 5; minus strand). Cytogenetic location: 19q13.32.
Variant type: single nucleotide variant.
Coding change: c.757G>A on transcript NM_005628.3 (MANE Select); coding-DNA position 757, G replaced by A.
Protein change: p.Glu253Lys; replaces glutamic acid 253 with lysine.
Molecular consequence: missense variant.
Genome position (GRCh38, 1-based): chr19:46,782,450, C>T on the plus strand (G>A on the coding strand, the complement: SLC1A5 is on the minus strand). VCF-style: chr19-46782450-C-T. GRCh37 (hg19) VCF-style: chr19-47285707-C-T.
Other names: c.73G>A, p.Glu25Lys (NM_001145144.2); c.151G>A, p.Glu51Lys (NM_001145145.2); short protein forms E253K, E25K, E51K.
Identifiers: ClinVar variation 3033961 (VCV003033961.2), dbSNP rs150805394, ClinGen allele CA9532637.